The following is an entry in ClinVar:

NM_000264.5(PTCH1):c.1892C>T (p.Thr631Ile)

Genes: PTCH1 (patched 1; minus strand), LOC100507346 (uncharacterized LOC100507346; plus strand). Cytogenetic location: 9q22.32.
Variant type: single nucleotide variant.
Coding change: c.1892C>T on transcript NM_000264.5 (MANE Select); coding-DNA position 1892, C replaced by T.
Protein change: p.Thr631Ile; replaces threonine 631 with isoleucine.
Molecular consequence: missense variant. On other transcripts: non-coding transcript variant (2).
Genome position (GRCh38, 1-based): chr9:95,469,109, G>A on the plus strand (C>T on the coding strand, the complement: PTCH1 is on the minus strand). VCF-style: chr9-95469109-G-A. GRCh37 (hg19) VCF-style: chr9-98231391-G-A.
Other names: c.1892C>T (NM_000264.4); c.1694C>T, p.Thr565Ile (NM_001083602.3); c.1889C>T, p.Thr630Ile (NM_001083603.3); c.1439C>T, p.Thr480Ile (NM_001083604.3, NM_001083605.3, NM_001083606.3 and 1 more transcripts); c.1736C>T, p.Thr579Ile (NM_001354918.2); short protein forms T565I, T631I, T579I, T480I, T630I.
Identifiers: ClinVar variation 167548 (VCV000167548.20), dbSNP rs727504112, ClinGen allele CA234742.
Genomic context (GRCh38, chr9:95,469,109, plus strand): 5'-GCAAAGCTGTGGCTGCTGTAGGGAGGTGGGGGGCTGTAGCGGGTATTGTCGTGTGTGTCG[G>A]TGTAGGCCTGAGGTTCAACCTGAATCACTCTGCTGACGCAGGGGCTGAAAGGAGGGGAAA-3'
Protein context (NP_000255.2, residues 621-641): RVIQVEPQAY[Thr631Ile]DTHDNTRYSP

ClinVar aggregate classification (germline): Uncertain significance. Review status: criteria provided, multiple submitters, no conflicts (2 of 4 stars). 5 submissions from 5 submitters: Uncertain significance (5). Last evaluated 2025-12-31.

Conditions:
Hereditary cancer-predisposing syndrome. Also called: Hereditary Cancer Syndrome; Tumor predisposition; Neoplastic Syndromes, Hereditary; Hereditary neoplastic syndrome. Identifiers: Orphanet 140162, MedGen C0027672, MeSH D009386, MONDO:0015356.
Basal cell carcinoma, susceptibility to, 1. Also called: BCC1. Identifiers: MedGen C2751544, MONDO:0011556, OMIM 605462.
Gorlin syndrome. Also called: Nevoid Basal Cell Carcinoma Syndrome; Basal cell nevus syndrome. Identifiers: Orphanet 377, MedGen C0004779, MONDO:0007187.

Allele frequency attached by ClinVar (database versions not stated): gnomAD exomes below 0.00001; gnomAD 0.00001; TOPMed 0.00001.
gnomAD v4.1: 2 of 1,614,008 alleles (0.00012%); highest among the groups gnomAD compares: Non-Finnish European, 0.00017%; no homozygotes.

Submissions (5):

Labcorp Genetics (formerly Invitae), Labcorp
Classification: Uncertain significance for Gorlin syndrome. Last evaluated: 2025-12-31. Review status: criteria provided, single submitter. Criteria: Invitae Variant Classification Sherloc (09022015). Collection method: clinical testing. Allele origin: germline.
Comment: This sequence change replaces threonine, which is neutral and polar, with isoleucine, which is neutral and non-polar, at codon 631 of the PTCH1 protein (p.Thr631Ile). This variant is not present in population databases (gnomAD no frequency). This variant has not been reported in the literature in individuals affected with PTCH1-related conditions. ClinVar contains an entry for this variant (Variation ID: 167548). Invitae Evidence Modeling of protein sequence and biophysical properties (such as structural, functional, and spatial information, amino acid conservation, physicochemical variation, residue mobility, and thermodynamic stability) indicates that this missense variant is not expected to disrupt PTCH1 protein function with a negative predictive value of 95%. In summary, the available evidence is currently insufficient to determine the role of this variant in disease. Therefore, it has been classified as a Variant of Uncertain Significance.

Ambry Genetics
Classification: Uncertain significance for Hereditary cancer-predisposing syndrome. Last evaluated: 2025-06-17. Review status: criteria provided, single submitter. Criteria: Ambry Variant Classification Scheme 2023. Collection method: clinical testing. Allele origin: germline.
Comment: The p.T631I variant (also known as c.1892C>T), located in coding exon 14 of the PTCH1 gene, results from a C to T substitution at nucleotide position 1892. The threonine at codon 631 is replaced by isoleucine, an amino acid with similar properties. This amino acid position is not well conserved in available vertebrate species. In addition, this alteration is predicted to be tolerated by in silico analysis. Based on the available evidence, the clinical significance of this variant remains unclear.

Quest Diagnostics Nichols Institute San Juan Capistrano
Classification: Uncertain significance. Last evaluated: 2025-06-04. Review status: criteria provided, single submitter. Criteria: Quest Diagnostics criteria. Collection method: clinical testing. Allele origin: unknown.
Comment: The PTCH1 c.1892C>T (p.Thr631Ile) variant has not been reported in individuals with PTCH1-related conditions in the published literature. The frequency of this variant in the general population (Genome Aggregation Database) is uninformative in the assessment of its pathogenicity. Analysis of this variant using bioinformatics tools for the prediction of the effect of amino acid changes on protein structure and function yielded predictions that this variant is benign. Based on the available information, we are unable to determine the clinical significance of this variant.

Baylor Genetics
Classification: Uncertain significance for Basal cell carcinoma, susceptibility to, 1. Last evaluated: 2023-06-04. Review status: criteria provided, single submitter. Criteria: ACMG Guidelines, 2015. Collection method: clinical testing. Allele origin: unknown.

Eurofins Ntd Llc (ga)
Classification: Uncertain significance. Last evaluated: 2014-01-27. Review status: criteria provided, single submitter. Criteria: EGL Classification Definitions 2015. Collection method: clinical testing. Allele origin: germline. Observed: 1 variant allele, 1 heterozygote.